The following is an entry in ClinVar:

ClinVar aggregate classification (germline): Pathogenic (1 of 4 stars; one submission).

Conditions:
Congenital adrenal insufficiency with 46, XY sex reversal OR 46,XY disorder of sex development-adrenal insufficiency due to CYP11A1 deficiency. Also called: Congenital adrenal insuffiency with 46, XY sex reversal OR 46,XY disorder of sex development-adrenal insufficiency due to CYP11A1 deficiency; P450scc DEFICIENCY. Identifiers: Orphanet 168558, MedGen C3151055, MONDO:0013400, OMIM 613743.

Submission:

MVZ Medizinische Genetik Mainz
Classification: Pathogenic for Congenital adrenal insufficiency with 46, XY sex reversal OR 46,XY disorder of sex development-adrenal insufficiency due to CYP11A1 deficiency. Last evaluated: 2021-07-29. Review status: criteria provided, single submitter. Criteria: UK Practice Guidelines For Variant Classification V4 01 2020. Collection method: clinical testing. Allele origin: germline. Inheritance: Autosomal recessive inheritance. Affected: yes. Observed: 1 variant allele.
Comment: ACMG Criteria: PVS1, PM2_SUP, PP4

NM_000781.3(CYP11A1):c.740_744dup (p.Asn249fs)

Gene: CYP11A1 (cytochrome P450 family 11 subfamily A member 1; minus strand). Cytogenetic location: 15q24.1.
Variant type: Duplication.
Coding change: c.740_744dup on transcript NM_000781.3 (MANE Select); coding-DNA positions 740 to 744, 5 bases duplicated (TGCTC; older notation c.740_744dupTGCTC).
Protein change: p.Asn249fs; shifts the reading frame from asparagine 249.
Molecular consequence: frameshift variant.
Genome position (GRCh38, 1-based): chr15:74,343,874-74,343,878, GAGCA duplicated on the plus strand (TGCTC on the coding strand, the reverse complement: CYP11A1 is on the minus strand). VCF-style (leftmost placement, unchanged base first): chr15-74343873-T-TGAGCA. GRCh37 (hg19) VCF-style: chr15-74636214-T-TGAGCA.
Other names: c.266_270dup, p.Asn91fs (NM_001099773.2); short protein forms N249fs, N91fs.
Identifiers: ClinVar variation 3068398 (VCV003068398.1), dbSNP rs2548330961, ClinGen allele CA2825002295.